The following is an entry in ClinVar:

NM_001365951.3(KIF1B):c.5047A>G (p.Lys1683Glu)

Gene: KIF1B (kinesin family member 1B; plus strand). Cytogenetic location: 1p36.22.
Variant type: single nucleotide variant.
Coding change: c.5047A>G on transcript NM_001365951.3 (MANE Select); coding-DNA position 5047, A replaced by G.
Protein change: p.Lys1683Glu; replaces lysine 1683 with glutamic acid.
Molecular consequence: missense variant.
Genome position (GRCh38, 1-based): chr1:10,374,416, A>G. VCF-style: chr1-10374416-A-G. GRCh37 (hg19) VCF-style: chr1-10434474-A-G.
Other names: c.5047A>G, p.Lys1683Glu (NM_001365952.1); c.4909A>G, p.Lys1637Glu (NM_015074.3); short protein forms K1637E, K1683E.
Identifiers: ClinVar variation 1744019 (VCV001744019.5), dbSNP rs1369672720, ClinGen allele CA338329507.

ClinVar aggregate classification (germline): Uncertain significance. Review status: criteria provided, multiple submitters, no conflicts (2 of 4 stars). 2 submissions from 2 submitters: Uncertain significance (2). Last evaluated 2025-05-25.

Conditions:
Neuroblastoma, susceptibility to, 1. Identifiers: MedGen C2749485, MONDO:0009741, OMIM 256700.
Charcot-Marie-Tooth disease type 2A1. Also called: CHARCOT-MARIE-TOOTH DISEASE, AXONAL, TYPE 2A1; CHARCOT-MARIE-TOOTH DISEASE, AXONAL, AUTOSOMAL DOMINANT, TYPE 2A1; CHARCOT-MARIE-TOOTH DISEASE, NEURONAL, TYPE 2A1; CHARCOT-MARIE-TOOTH NEUROPATHY, TYPE 2A1; HEREDITARY MOTOR AND SENSORY NEUROPATHY IIA1. Identifiers: Orphanet 99946, MedGen C1861678, MONDO:0007308, OMIM 118210.

Allele frequency attached by ClinVar (database versions not stated): TOPMed 0.00001.

Submissions (2):

Ambry Genetics
Classification: Uncertain significance. Last evaluated: 2025-05-25. Review status: criteria provided, single submitter. Criteria: Ambry Variant Classification Scheme 2023. Collection method: clinical testing. Allele origin: germline.
Comment: The p.K1637E variant (also known as c.4909A>G), located in coding exon 43 of the KIF1B gene, results from an A to G substitution at nucleotide position 4909. The lysine at codon 1637 is replaced by glutamic acid, an amino acid with similar properties. This amino acid position is highly conserved in available vertebrate species. In addition, this alteration is predicted to be tolerated by in silico analysis. Since supporting evidence is limited at this time, the clinical significance of this alteration remains unclear.

Fulgent Genetics
Classification: Uncertain significance for Charcot-Marie-Tooth disease type 2A1; Neuroblastoma, susceptibility to, 1. Last evaluated: 2024-01-23. Review status: criteria provided, single submitter. Criteria: ACMG Guidelines, 2015. Collection method: clinical testing. Allele origin: germline.